The following is an entry in ClinVar:

ClinVar aggregate classification (germline): Conflicting classifications of pathogenicity. Review status: criteria provided, conflicting classifications (1 of 4 stars). 4 submissions from 4 submitters: Pathogenic (2); Likely pathogenic (1); Uncertain significance (1). Last evaluated 2024-05-14.

Conditions:
ASNS-related disorder. Also called: ASNS-related condition.
Congenital microcephaly - severe encephalopathy - progressive cerebral atrophy syndrome. Also called: ASNS DEFICIENCY; Asparagine synthetase deficiency. Identifiers: Orphanet 391376, MedGen C3809971, MONDO:0014258, OMIM 615574.

Allele frequency attached by ClinVar (database versions not stated): ExAC 0.00001.

Submissions (4):

Myriad Genetics, Inc.
Classification: Pathogenic for Congenital microcephaly - severe encephalopathy - progressive cerebral atrophy syndrome. Last evaluated: 2024-05-14. Review status: criteria provided, single submitter. Criteria: Myriad Autosomal Dominant, Autosomal Recessive and X-Linked Classification Criteria (2023). Collection method: clinical testing. Allele origin: unknown.
Comment: NM_001673.4(ASNS):c.1219C>T(R407*) is expected to be pathogenic in the context of asparagine synthetase deficiency. This variant is predicted to lead to an abnormal or absent protein product due to the creation of a premature termination codon in ASNS, a gene where loss-of-function variants are known to be pathogenic. Please note: this variant was assessed in the context of healthy population screening.

Genomic Medicine Center of Excellence, King Faisal Specialist Hospital and Research Centre
Classification: Uncertain significance for Congenital microcephaly - severe encephalopathy - progressive cerebral atrophy syndrome. Last evaluated: 2024-03-25. Review status: criteria provided, single submitter. Criteria: ACMG Guidelines, 2015. Collection method: research. Allele origin: germline.

Labcorp Genetics (formerly Invitae), Labcorp
Classification: Pathogenic. Last evaluated: 2023-01-05. Review status: criteria provided, single submitter. Criteria: Invitae Variant Classification Sherloc (09022015). Collection method: clinical testing. Allele origin: germline.
Comment: For these reasons, this variant has been classified as Pathogenic. This variant is also known as c.970C>T (p.Arg324*). This premature translational stop signal has been observed in individual(s) with clinical features of asparagine synthetase deficiency (PMID: 27422383, 32741967). This variant is present in population databases (rs1140424, gnomAD 0.0009%). This sequence change creates a premature translational stop signal (p.Arg407*) in the ASNS gene. It is expected to result in an absent or disrupted protein product. Loss-of-function variants in ASNS are known to be pathogenic (PMID: 27422383, 30057589).

Blueprint Genetics
Classification: Likely pathogenic for ASNS-related disorders. Last evaluated: 2021-03-04. Review status: criteria provided, single submitter. Criteria: ACMG Guidelines, 2015. Collection method: clinical testing. Allele origin: germline. Affected: yes. Observed: 1 variant allele.

Literature cited by the submitters: PubMed 27422383 (cited by Labcorp Genetics (formerly Invitae), Labcorp); PubMed 32741967 (cited by Labcorp Genetics (formerly Invitae), Labcorp); PubMed 30057589 (cited by Labcorp Genetics (formerly Invitae), Labcorp).

NM_001673.5(ASNS):c.1219C>T (p.Arg407Ter)

Genes: ASNS (asparagine synthetase (glutamine-hydrolyzing); minus strand), CZ1P-ASNS (CZ1P-ASNS readthrough; minus strand). Cytogenetic location: 7q21.3.
Variant type: single nucleotide variant.
Coding change: c.1219C>T on transcript NM_001673.5 (MANE Select); coding-DNA position 1219, C replaced by T.
Protein change: p.Arg407Ter; replaces arginine 407 with a stop codon.
Molecular consequence: nonsense. On other transcripts: non-coding transcript variant (1).
Genome position (GRCh38, 1-based): chr7:97,854,599, G>A on the plus strand (C>T on the coding strand, the complement: ASNS is on the minus strand). VCF-style: chr7-97854599-G-A. GRCh37 (hg19) VCF-style: chr7-97483911-G-A.
Other names: c.1156C>T, p.Arg386Ter (NM_001178075.2); c.970C>T, p.Arg324Ter (NM_001178076.2, NM_001178077.1); c.1219C>T, p.Arg407Ter (NM_001352496.2, NM_133436.3, NM_183356.4); c.1219C>T (NM_001673.4); short protein forms R324*, R386*, R407*.
Identifiers: ClinVar variation 2735059 (VCV002735059.7), dbSNP rs1140424, ClinGen allele CA4354564.
Genomic context (GRCh38, chr7:97,854,599, plus strand): 5'-TTTTTTTGTTTTTGTTTTACAATAGCCTCTAAAAATATTACCCATGGGCAGCAGTAGTTC[G>A]ATCTGCGCGGAGAACATCAAACAAATAGAGTTCCCTCAGAAGCCTCTCACTCTCCTCCTC-3'